The following is an entry in ClinVar:

NM_001330078.2(NRXN1):c.363C>T (p.Arg121=)

Gene: NRXN1 (neurexin 1; minus strand). Cytogenetic location: 2p16.3.
Variant type: single nucleotide variant.
Coding change: c.363C>T on transcript NM_001330078.2 (MANE Select); coding-DNA position 363, C replaced by T.
Protein change: p.Arg121=; no amino-acid change (arginine 121 retained).
Molecular consequence: synonymous variant.
Genome position (GRCh38, 1-based): chr2:51,027,911, G>A on the plus strand (C>T on the coding strand, the complement: NRXN1 is on the minus strand). VCF-style: chr2-51027911-G-A. GRCh37 (hg19) VCF-style: chr2-51255049-G-A.
Other names: c.363C>T (NM_001135659.2); c.363C>T, p.Arg121= (NM_001135659.3, NM_001330077.2, NM_001330079.2 and 15 more transcripts).
Identifiers: ClinVar variation 2166584 (VCV002166584.6), dbSNP rs1265535501, ClinGen allele CA426129137.
Genomic context (GRCh38, chr2:51,027,911, plus strand): 5'-CTTGACCTCCACCCACTTGGCCTCCACCTGGTCGATGAAGAGCGTGGTGTTGCGGAACTG[G>A]CGGCGGATGCGCACGCTGTGCCAGGCGCCGTCGTTAACCGGCGTGTCGGCCAGGAGCGTC-3'
Protein context (NP_001317007.1, residues 111-131): DGAWHSVRIR[Arg121=]QFRNTTLFID

ClinVar aggregate classification (germline): Likely benign. Review status: criteria provided, single submitter (1 of 4 stars). 2 submissions from 2 submitters: Likely benign (1). 1 of the submissions does not count toward it. Last evaluated 2023-02-15.

Conditions:
NRXN1-related disorder.
Pitt-Hopkins-like syndrome 2 (PTHSL2). Identifiers: Orphanet 221150, Orphanet 600663, MedGen C3280479, MONDO:0013690, OMIM 614325.

Allele frequency attached by ClinVar (database versions not stated): gnomAD 0.00001.
gnomAD v4.1: 9 of 1,608,232 alleles (0.00056%); highest among the groups gnomAD compares: Non-Finnish European, 0.00059%; no homozygotes.

Submissions (2):

Labcorp Genetics (formerly Invitae), Labcorp
Classification: Likely benign for Pitt-Hopkins-like syndrome 2. Last evaluated: 2023-02-15. Review status: criteria provided, single submitter. Criteria: Invitae Variant Classification Sherloc (09022015). Collection method: clinical testing. Allele origin: germline.

PreventionGenetics, part of Exact Sciences
Classification: Likely benign for NRXN1-related condition. Last evaluated: 2019-08-19. Review status: no assertion criteria provided. Collection method: clinical testing. Allele origin: germline. Not counted in ClinVar's aggregate classification.
Comment: This variant is classified as likely benign based on ACMG/AMP sequence variant interpretation guidelines (Richards et al. 2015 PMID: 25741868, with internal and published modifications).